The following is an entry in ClinVar:

NM_000271.5(NPC1):c.1103_1151del (p.Leu368fs)

Gene: NPC1 (NPC intracellular cholesterol transporter 1; minus strand). Cytogenetic location: 18q11.2.
Variant type: Deletion.
Coding change: c.1103_1151del on transcript NM_000271.5 (MANE Select); coding-DNA positions 1103 to 1151, 49 bases deleted.
Protein change: p.Leu368fs; shifts the reading frame from leucine 368.
Molecular consequence: frameshift variant.
Genome position (GRCh38, 1-based): chr18:23,556,418-23,556,466, 49 bases deleted; deleting any 49 consecutive bases within chr18:23,556,418-23,556,468 gives the same sequence; the c. name uses the placement nearest the transcript's 3' end. GRCh37 (hg19): chr18:21,136,384-21,136,432.
Other names: short protein forms L368fs.
Identifiers: ClinVar variation 3619524 (VCV003619524.2).
Genomic context (GRCh38, chr18:23,556,417, plus strand): 5'-CCGGAAGAAAGGCCCAAAGTGCTGGTCAAAGTACTCTTTTTCCAGGCGAGCCTGGCTGCT[GGGGGCTGACCAGAGGTCAACTGGATTGGTTGTGACCCGGACAAACACCA>G]GGCCTGACGAACACGCAGTAATGAAGACCAGCGAGAAGAAAATGACACAGCCAGGGTTTC-3'

ClinVar aggregate classification (germline): Pathogenic (1 of 4 stars; one submission).

Conditions:
Niemann-Pick disease, type C1. Also called: NIEMANN-PICK DISEASE, VARIANT TYPE C1; NEUROVISCERAL STORAGE DISEASE WITH VERTICAL SUPRANUCLEAR OPHTHALMOPLEGIA; NIEMANN-PICK DISEASE WITH CHOLESTEROL ESTERIFICATION BLOCK; NIEMANN-PICK DISEASE WITHOUT SPHINGOMYELINASE DEFICIENCY; NIEMANN-PICK DISEASE, CHRONIC NEURONOPATHIC FORM. Identifiers: Orphanet 646, MedGen C3179455, MONDO:0009757, OMIM 257220.

Submission:

Labcorp Genetics (formerly Invitae), Labcorp
Classification: Pathogenic for Niemann-Pick disease, type C1. Last evaluated: 2024-10-31. Review status: criteria provided, single submitter. Criteria: Invitae Variant Classification Sherloc (09022015). Collection method: clinical testing. Allele origin: germline.
Comment: This sequence change creates a premature translational stop signal (p.Leu368Profs*65) in the NPC1 gene. It is expected to result in an absent or disrupted protein product. Loss-of-function variants in NPC1 are known to be pathogenic (PMID: 9211850). This variant is not present in population databases (gnomAD no frequency). This variant has not been reported in the literature in individuals affected with NPC1-related conditions. For these reasons, this variant has been classified as Pathogenic.

Literature cited by the submitters: PubMed 9211850.